The following is an entry in ClinVar:

ClinVar aggregate classification (germline): Likely pathogenic (1 of 4 stars; one submission).

Conditions:
Baraitser-winter syndrome 2. Identifiers: Orphanet 2995, MedGen C3281235, MONDO:0013812, OMIM 614583.
Autosomal dominant nonsyndromic hearing loss 20. Identifiers: Orphanet 90635, MedGen C1858172, MONDO:0011480, OMIM 604717.

Submission:

Labcorp Genetics (formerly Invitae), Labcorp
Classification: Likely pathogenic for Baraitser-winter syndrome 2; Autosomal dominant nonsyndromic hearing loss 20. Last evaluated: 2023-10-10. Review status: criteria provided, single submitter. Criteria: Invitae Variant Classification Sherloc (09022015). Collection method: clinical testing. Allele origin: germline.
Comment: This variant, c.714_716del, is a complex sequence change that results in the deletion of 2 and insertion of 1 amino acid(s) in the ACTG1 protein (p.Lys238_Ser239delinsAsn). This variant is not present in population databases (gnomAD no frequency). This variant has been observed in individual(s) with clinical features of Baraitser-Winter syndrome (Invitae). In at least one individual the variant was observed to be de novo. Experimental studies and prediction algorithms are not available or were not evaluated, and the functional significance of this variant is currently unknown. In summary, the currently available evidence indicates that the variant is pathogenic, but additional data are needed to prove that conclusively. Therefore, this variant has been classified as Likely Pathogenic.

NM_001614.5(ACTG1):c.714_716del (p.Lys238_Ser239delinsAsn)

Gene: ACTG1 (actin gamma 1; minus strand). Cytogenetic location: 17q25.3.
Variant type: Deletion.
Coding change: c.714_716del on transcript NM_001614.5 (MANE Select); coding-DNA positions 714 to 716, 3 bases deleted (GAG; older notation c.714_716delGAG).
Protein change: p.Lys238_Ser239delinsAsn.
Molecular consequence: inframe indel. On other transcripts: non-coding transcript variant (1).
Genome position (GRCh38, 1-based): chr17:81,511,274-81,511,276, CTC deleted on the plus strand (GAG on the coding strand, the reverse complement: ACTG1 is on the minus strand). VCF-style (leftmost placement, unchanged base first): chr17-81511273-GCTC-G. GRCh37 (hg19) VCF-style: chr17-79478299-GCTC-G.
Other names: c.714_716del, p.Lys238_Ser239delinsAsn (NM_001199954.3).
Identifiers: ClinVar variation 2951653 (VCV002951653.3), dbSNP rs2544388195, ClinGen allele CA2740090867.